The following is an entry in ClinVar:

ClinVar aggregate classification (germline): Uncertain significance. Review status: criteria provided, multiple submitters, no conflicts (2 of 4 stars). 3 submissions from 3 submitters: Uncertain significance (3). Last evaluated 2025-05-04.

Conditions:
Congenital myotonia, autosomal recessive form. Also called: Becker Generalized Myotonia; BECKER DISEASE; myotonia congenita, autosomal recessive. Identifiers: Orphanet 614, MedGen C0751360, MONDO:0009715, OMIM 255700.
Congenital myotonia, autosomal dominant form (THD). Also called: THOMSEN DISEASE; Myotonia congenita autosomal dominant. Identifiers: Orphanet 614, MedGen C2936781, MONDO:0008055, OMIM 160800.

Allele frequency attached by ClinVar (database versions not stated): gnomAD 0.00001; TOPMed 0.00002; ESP Exome Variant Server 0.00008.
gnomAD v4.1: 5 of 1,566,204 alleles (0.00032%); highest among the groups gnomAD compares: Non-Finnish European, 0.00043%; no homozygotes.

Submissions (3):

Labcorp Genetics (formerly Invitae), Labcorp
Classification: Uncertain significance for Congenital myotonia, autosomal recessive form; Congenital myotonia, autosomal dominant form. Last evaluated: 2025-05-04. Review status: criteria provided, single submitter. Criteria: Invitae Variant Classification Sherloc (09022015). Collection method: clinical testing. Allele origin: germline.
Comment: This sequence change replaces aspartic acid, which is acidic and polar, with histidine, which is basic and polar, at codon 687 of the CLCN1 protein (p.Asp687His). The frequency data for this variant in the population databases is considered unreliable, as metrics indicate poor data quality at this position in the gnomAD database. This missense change has been observed in individual(s) with clinical features of autosomal dominant myotonia congenita (PMID: 23739125). ClinVar contains an entry for this variant (Variation ID: 2440109). Invitae Evidence Modeling of protein sequence and biophysical properties (such as structural, functional, and spatial information, amino acid conservation, physicochemical variation, residue mobility, and thermodynamic stability) has been performed for this missense variant. However, the output from this modeling did not meet the statistical confidence thresholds required to predict the impact of this variant on CLCN1 protein function. In summary, the available evidence is currently insufficient to determine the role of this variant in disease. Therefore, it has been classified as a Variant of Uncertain Significance.

GeneDx
Classification: Uncertain significance. Last evaluated: 2025-01-01. Review status: criteria provided, single submitter. Criteria: GeneDx Variant Classification Process June 2021. Collection method: clinical testing. Allele origin: germline. Affected: yes.
Comment: Reported previously in a patient with suspected myotonia congenita; however, no further clinical or segregation information was provided (PMID: 23739125); In silico analysis indicates that this missense variant does not alter protein structure/function; Not observed at significant frequency in large population cohorts (gnomAD); This variant is associated with the following publications: (PMID: 23739125)

Revvity Omics, Revvity
Classification: Uncertain significance. Last evaluated: 2021-03-20. Review status: criteria provided, single submitter. Criteria: ACMG Guidelines, 2015. Collection method: clinical testing. Allele origin: germline.

Literature cited by the submitters: PubMed 23739125 (cited by Labcorp Genetics (formerly Invitae), Labcorp).

NM_000083.3(CLCN1):c.2059G>C (p.Asp687His)

Genes: CLCN1 (chloride voltage-gated channel 1; plus strand), LOC123956257 (Sharpr-MPRA regulatory region 4117; plus strand). Cytogenetic location: 7q34.
Variant type: single nucleotide variant.
Coding change: c.2059G>C on transcript NM_000083.3 (MANE Select); coding-DNA position 2059, G replaced by C.
Protein change: p.Asp687His; replaces aspartic acid 687 with histidine.
Molecular consequence: missense variant. On other transcripts: non-coding transcript variant (1).
Genome position (GRCh38, 1-based): chr7:143,345,649, G>C. VCF-style: chr7-143345649-G-C. GRCh37 (hg19) VCF-style: chr7-143042742-G-C.
Other names: c.2059G>C (NM_000083.2); short protein forms D687H.
Identifiers: ClinVar variation 2440109 (VCV002440109.6), dbSNP rs371792469, ClinGen allele CA168226570.